The following is an entry in ClinVar:

NM_018294.6(CWF19L1):c.108+1G>A

Gene: CWF19L1 (CWF19 like cell cycle control factor 1; minus strand). Cytogenetic location: 10q24.31.
Variant type: single nucleotide variant.
Coding change: c.108+1G>A on transcript NM_018294.6 (MANE Select); the canonical splice donor site of the intron after coding-DNA position 108, G replaced by A.
Molecular consequence: splice donor variant. On other transcripts: intron variant (1).
Genome position (GRCh38, 1-based): chr10:100,261,978, C>T on the plus strand (G>A on the coding strand, the complement: CWF19L1 is on the minus strand). VCF-style: chr10-100261978-C-T. GRCh37 (hg19) VCF-style: chr10-102021735-C-T.
Other names: c.-122-5502G>A (NM_001303406.2); c.-397+1G>A (NM_001303407.2); c.108+1G>A (NM_001303404.2); c.-304+1G>A (NM_001303405.2).
Identifiers: ClinVar variation 2629563 (VCV002629563.1), dbSNP rs1346497238, ClinGen allele CA378163212.
Genomic context (GRCh38, chr10:100,261,978, plus strand): 5'-ACTTTATTTTTATGTGTGACTACAAAGGTAAAATTAAATTCAGTAAAAACAAACATCTTA[C>T]ATCAAAGTTTCCACTTTTCTTCTGAATTGCTTGAACTCTATTGAATAAAATATCAAACTT-3'

ClinVar aggregate classification (germline): Likely pathogenic (1 of 4 stars; one submission).

Conditions:
CWF19L1-related disorder. Also called: CWF19L1-related condition.

Allele frequency attached by ClinVar (database versions not stated): gnomAD 0.00001; gnomAD exomes 0.00001; TOPMed 0.00001.
gnomAD v4.1: 4 of 1,592,876 alleles (0.00025%); highest among the groups gnomAD compares: Admixed American, 0.0056%; no homozygotes.

Submission:

PreventionGenetics, part of Exact Sciences
Classification: Likely pathogenic for CWF19L1-related condition. Last evaluated: 2023-09-06. Review status: criteria provided, single submitter. Criteria: ACMG Guidelines, 2015. Collection method: clinical testing. Allele origin: germline.
Comment: The CWF19L1 c.108+1G>A variant is predicted to disrupt the GT donor site and interfere with normal splicing. To our knowledge, this variant has not been reported in the literature. This variant is reported in 0.0036% of alleles in individuals of Latino descent in gnomAD. Variants that disrupt the consensus splice donor site in CWF19L1 are expected to be pathogenic. This variant is interpreted as likely pathogenic.